The following is an entry in ClinVar:

NM_016277.5(RAB23):c.575-11_575-10del

Gene: RAB23 (RAB23, member RAS oncogene family; minus strand). Cytogenetic location: 6p12.1.
Variant type: Deletion.
Coding change: c.575-11_575-10del on transcript NM_016277.5 (MANE Select); 11 bases into the intron before coding-DNA position 575 through 10 bases into the intron before coding-DNA position 575, 2 bases deleted (AA; older notation c.575-11_575-10delAA).
Molecular consequence: intron variant.
Genome position (GRCh38, 1-based): chr6:57,190,610-57,190,611, TT deleted on the plus strand (AA on the coding strand, the reverse complement: RAB23 is on the minus strand). VCF-style (leftmost placement, unchanged base first): chr6-57190609-ATT-A. GRCh37 (hg19) VCF-style: chr6-57055407-ATT-A.
Other names: c.575-11_575-10del (NM_001278666.2, NM_001278667.2, NM_001278668.2 and 1 more transcripts).
Identifiers: ClinVar variation 3348549 (VCV003348549.1).

ClinVar aggregate classification (germline): Likely benign (0 of 4 stars; one submission).

Conditions:
RAB23-related disorder. Also called: RAB23-related condition.

Submission:

PreventionGenetics, part of Exact Sciences
Classification: Likely benign for RAB23-related condition. Last evaluated: 2023-11-14. Review status: no assertion criteria provided. Collection method: clinical testing. Allele origin: germline.
Comment: This variant is classified as likely benign based on ACMG/AMP sequence variant interpretation guidelines (Richards et al. 2015 PMID: 25741868, with internal and published modifications).